The following is an entry in ClinVar:

ClinVar aggregate classification (germline): Uncertain significance. Review status: criteria provided, multiple submitters, no conflicts (2 of 4 stars). 3 submissions from 3 submitters: Uncertain significance (3). Last evaluated 2024-05-14.

Conditions:
Hereditary cancer-predisposing syndrome. Also called: Tumor predisposition; Hereditary Cancer Syndrome; Hereditary neoplastic syndrome; Neoplastic Syndromes, Hereditary. Identifiers: Orphanet 140162, MedGen C0027672, MeSH D009386, MONDO:0015356.

Submissions (3):

Ambry Genetics
Classification: Uncertain significance for Hereditary cancer-predisposing syndrome. Last evaluated: 2024-05-14. Review status: criteria provided, single submitter. Criteria: Ambry Variant Classification Scheme 2023. Collection method: clinical testing. Allele origin: germline.
Comment: The p.Q1984P variant (also known as c.5951A>C), located in coding exon 43 of the POLE gene, results from an A to C substitution at nucleotide position 5951. The glutamine at codon 1984 is replaced by proline, an amino acid with similar properties. This amino acid position is conserved. In addition, the in silico prediction for this alteration is inconclusive. Based on the available evidence, the clinical significance of this variant remains unclear.

GeneDx
Classification: Uncertain significance. Last evaluated: 2024-02-18. Review status: criteria provided, single submitter. Criteria: GeneDx Variant Classification Process June 2021. Collection method: clinical testing. Allele origin: germline. Affected: yes.
Comment: Not observed at significant frequency in large population cohorts (gnomAD); In silico analysis suggests this variant may impact gene splicing. In the absence of RNA/functional studies, the actual effect of this sequence change is unknown; In silico analysis supports that this missense variant has a deleterious effect on protein structure/function; Has not been previously published as pathogenic or benign to our knowledge

Labcorp Genetics (formerly Invitae), Labcorp
Classification: Uncertain significance. Last evaluated: 2023-04-20. Review status: criteria provided, single submitter. Criteria: Invitae Variant Classification Sherloc (09022015). Collection method: clinical testing. Allele origin: germline.
Comment: In summary, the available evidence is currently insufficient to determine the role of this variant in disease. Therefore, it has been classified as a Variant of Uncertain Significance. Algorithms developed to predict the effect of sequence changes on RNA splicing suggest that this variant may create or strengthen a splice site. Advanced modeling of protein sequence and biophysical properties (such as structural, functional, and spatial information, amino acid conservation, physicochemical variation, residue mobility, and thermodynamic stability) performed at Invitae indicates that this missense variant is not expected to disrupt POLE protein function. This variant has not been reported in the literature in individuals affected with POLE-related conditions. This sequence change replaces glutamine, which is neutral and polar, with proline, which is neutral and non-polar, at codon 1984 of the POLE protein (p.Gln1984Pro). This variant is not present in population databases (gnomAD no frequency).

NM_006231.4(POLE):c.5951A>C (p.Gln1984Pro)

Gene: POLE (DNA polymerase epsilon, catalytic subunit; minus strand). Cytogenetic location: 12q24.33.
Variant type: single nucleotide variant.
Coding change: c.5951A>C on transcript NM_006231.4 (MANE Select); coding-DNA position 5951, A replaced by C.
Protein change: p.Gln1984Pro; replaces glutamine 1984 with proline.
Molecular consequence: missense variant.
Genome position (GRCh38, 1-based): chr12:132,634,239, T>G on the plus strand (A>C on the coding strand, the complement: POLE is on the minus strand). VCF-style: chr12-132634239-T-G. GRCh37 (hg19) VCF-style: chr12-133210825-T-G.
Other names: c.5951A>C (NM_006231.2); short protein forms Q1984P.
Identifiers: ClinVar variation 2812221 (VCV002812221.5), dbSNP rs1565928425, ClinGen allele CA387371519.